The following is an entry in ClinVar:

NM_005431.2(XRCC2):c.181C>G (p.Leu61Val)

Gene: XRCC2 (X-ray repair cross complementing 2; minus strand). Cytogenetic location: 7q36.1.
Variant type: single nucleotide variant.
Coding change: c.181C>G on transcript NM_005431.2 (MANE Select); coding-DNA position 181, C replaced by G.
Protein change: p.Leu61Val; replaces leucine 61 with valine.
Molecular consequence: missense variant.
Genome position (GRCh38, 1-based): chr7:152,649,304, G>C on the plus strand (C>G on the coding strand, the complement: XRCC2 is on the minus strand). VCF-style: chr7-152649304-G-C. GRCh37 (hg19) VCF-style: chr7-152346389-G-C.
Other names: short protein forms L61V.
Identifiers: ClinVar variation 1046263 (VCV001046263.9), dbSNP rs569810249, ClinGen allele CA370199248.

ClinVar aggregate classification (germline): Uncertain significance (1 of 4 stars; one submission).

Submission:

Labcorp Genetics (formerly Invitae), Labcorp
Classification: Uncertain significance. Last evaluated: 2020-01-17. Review status: criteria provided, single submitter. Criteria: Invitae Variant Classification Sherloc (09022015). Collection method: clinical testing. Allele origin: germline.
Comment: This variant has not been reported in the literature in individuals with XRCC2-related conditions. This sequence change replaces leucine with valine at codon 61 of the XRCC2 protein (p.Leu61Val). The leucine residue is highly conserved and there is a small physicochemical difference between leucine and valine. This variant is not present in population databases (ExAC no frequency). Algorithms developed to predict the effect of missense changes on protein structure and function are either unavailable or do not agree on the potential impact of this missense change (SIFT: "Deleterious"; PolyPhen-2: "Probably Damaging"; Align-GVGD: "Class C0"). Algorithms developed to predict the effect of sequence changes on RNA splicing suggest that this variant may create or strengthen a splice site, but this prediction has not been confirmed by published transcriptional studies. In summary, the available evidence is currently insufficient to determine the role of this variant in disease. Therefore, it has been classified as a Variant of Uncertain Significance.